The following is an entry in ClinVar:

NM_000374.5(UROD):c.430C>T (p.Arg144Ter)

Gene: UROD (uroporphyrinogen decarboxylase; plus strand). Cytogenetic location: 1p34.1.
Variant type: single nucleotide variant.
Coding change: c.430C>T on transcript NM_000374.5 (MANE Select); coding-DNA position 430, C replaced by T.
Protein change: p.Arg144Ter; replaces arginine 144 with a stop codon.
Molecular consequence: nonsense. On other transcripts: non-coding transcript variant (3).
Genome position (GRCh38, 1-based): chr1:45,013,747, C>T. VCF-style: chr1-45013747-C-T. GRCh37 (hg19) VCF-style: chr1-45479419-C-T.
Other names: short protein forms R144*.
Identifiers: ClinVar variation 1695444 (VCV001695444.7), dbSNP rs1412728348, ClinGen allele CA340118053.

ClinVar aggregate classification (germline): Pathogenic. Review status: criteria provided, multiple submitters, no conflicts (2 of 4 stars). 3 submissions from 3 submitters: Pathogenic (3). Last evaluated 2026-04-02.

Conditions:
Inborn genetic diseases. Identifiers: MedGen C0950123, MeSH D030342.

Allele frequency attached by ClinVar (database versions not stated): TOPMed below 0.00001; gnomAD exomes 0.00001 and below 0.00001.
gnomAD v4.1: 12 of 1,614,180 alleles (0.00074%); highest among the groups gnomAD compares: Middle Eastern, 0.016%; no homozygotes.

Submissions (3):

Ambry Genetics
Classification: Pathogenic for Inborn genetic diseases. Last evaluated: 2026-04-02. Review status: criteria provided, single submitter. Criteria: Ambry Variant Classification Scheme 2023. Collection method: clinical testing. Allele origin: germline.
Comment: The c.430C>T (p.R144*) alteration, located in exon 5 (coding exon 5) of the UROD gene, consists of a C to T substitution at nucleotide position 430. This changes the amino acid from a arginine (R) to a stop codon at amino acid position 144. This variant is expected to result in loss of function by premature protein truncation or nonsense-mediated mRNA decay. Based on data from gnomAD, the T allele has an overall frequency of <0.001% (1/251326) total alleles studied. The highest observed frequency was <0.001% (1/21642) of European (Finnish) alleles. This variant was reported in individual(s) with features consistent with UROD-related porphyria (Weiss, 2019; Strong, 2020). Based on the available evidence, this alteration is classified as pathogenic.

GeneDx
Classification: Pathogenic. Last evaluated: 2022-06-24. Review status: criteria provided, single submitter. Criteria: GeneDx Variant Classification Process June 2021. Collection method: clinical testing. Allele origin: germline. Affected: yes.
Comment: Reported in a cohort of individuals with porphyria cutanea tarda (Weiss et al., 2019); Nonsense variant predicted to result in protein truncation or nonsense mediated decay in a gene for which loss-of-function is a known mechanism of disease; Not observed at a significant frequency in large population cohorts (gnomAD); This variant is associated with the following publications: (PMID: 32874917, 30514647)

Labcorp Genetics (formerly Invitae), Labcorp
Classification: Pathogenic. Last evaluated: 2022-03-23. Review status: criteria provided, single submitter. Criteria: Invitae Variant Classification Sherloc (09022015). Collection method: clinical testing. Allele origin: germline.
Comment: For these reasons, this variant has been classified as Pathogenic. Algorithms developed to predict the effect of sequence changes on RNA splicing suggest that this variant may disrupt the consensus splice site. This premature translational stop signal has been observed in individual(s) with clinical features of UROD-related conditions (PMID: 30514647, 32874917). This variant is present in population databases (no rsID available, gnomAD 0.004%). This sequence change creates a premature translational stop signal (p.Arg144*) in the UROD gene. It is expected to result in an absent or disrupted protein product. Loss-of-function variants in UROD are known to be pathogenic (PMID: 1634232, 17240319, 19233912, 19419417, 23545314).

Literature cited by the submitters: PubMed 30514647 (cited by Ambry Genetics and Labcorp Genetics (formerly Invitae), Labcorp); PubMed 32874917 (cited by Ambry Genetics and Labcorp Genetics (formerly Invitae), Labcorp); PubMed 1634232 (cited by Labcorp Genetics (formerly Invitae), Labcorp); PubMed 17240319 (cited by Labcorp Genetics (formerly Invitae), Labcorp); PubMed 19233912 (cited by Labcorp Genetics (formerly Invitae), Labcorp); PubMed 19419417 (cited by Labcorp Genetics (formerly Invitae), Labcorp); PubMed 23545314 (cited by Labcorp Genetics (formerly Invitae), Labcorp).